The following is an entry in ClinVar:

NM_001042681.2(RERE):c.3847C>T (p.Pro1283Ser)

Gene: RERE (arginine-glutamic acid dipeptide repeats; minus strand). Cytogenetic location: 1p36.23.
Variant type: single nucleotide variant.
Coding change: c.3847C>T on transcript NM_001042681.2 (MANE Select); coding-DNA position 3847, C replaced by T.
Protein change: p.Pro1283Ser; replaces proline 1283 with serine.
Molecular consequence: missense variant.
Genome position (GRCh38, 1-based): chr1:8,358,688, G>A on the plus strand (C>T on the coding strand, the complement: RERE is on the minus strand). VCF-style: chr1-8358688-G-A. GRCh37 (hg19) VCF-style: chr1-8418748-G-A.
Other names: c.3847C>T (NM_012102.3); c.2185C>T, p.Pro729Ser (NM_001042682.2); c.3847C>T, p.Pro1283Ser (NM_012102.4); short protein forms P1283S, P729S.
Identifiers: ClinVar variation 1048912 (VCV001048912.22), dbSNP rs778692247, ClinGen allele CA570977.

ClinVar aggregate classification (germline): Conflicting classifications of pathogenicity. Review status: criteria provided, conflicting classifications (1 of 4 stars). 5 submissions from 5 submitters: Uncertain significance (2); Likely benign (2). 1 of the submissions does not count toward it. Last evaluated 2024-10-01.

Conditions:
Neurodevelopmental disorder with or without anomalies of the brain, eye, or heart (NEDBEH). Identifiers: Orphanet 494344, MedGen C5567477, MONDO:0014857, OMIM 616975.
Inborn genetic diseases. Identifiers: MedGen C0950123, MeSH D030342.

Allele frequency attached by ClinVar (database versions not stated): gnomAD 0.00001 and 0.00003; gnomAD exomes 0.00004 and 0.00006; TOPMed 0.00005; ExAC 0.00006.
gnomAD v4.1: 69 of 1,588,336 alleles (0.0043%); highest among the groups gnomAD compares: Middle Eastern, 0.085%; 1 homozygote.

Submissions (5):

CeGaT Center for Human Genetics Tuebingen
Classification: Likely benign. Last evaluated: 2024-10-01. Review status: criteria provided, single submitter. Criteria: CeGaT Center For Human Genetics Tuebingen Variant Classification Criteria Version 2. Collection method: clinical testing. Allele origin: germline. Affected: yes. Observed: 1 variant allele.
Comment: RERE: BS2

Labcorp Genetics (formerly Invitae), Labcorp
Classification: Uncertain significance. Last evaluated: 2024-01-06. Review status: criteria provided, single submitter. Criteria: Invitae Variant Classification Sherloc (09022015). Collection method: clinical testing. Allele origin: germline.
Comment: This sequence change replaces proline, which is neutral and non-polar, with serine, which is neutral and polar, at codon 1283 of the RERE protein (p.Pro1283Ser). This variant is present in population databases (rs778692247, gnomAD 0.02%), including at least one homozygous and/or hemizygous individual. This variant has not been reported in the literature in individuals affected with RERE-related conditions. ClinVar contains an entry for this variant (Variation ID: 1048912). Advanced modeling of protein sequence and biophysical properties (such as structural, functional, and spatial information, amino acid conservation, physicochemical variation, residue mobility, and thermodynamic stability) has been performed at Invitae for this missense variant, however the output from this modeling did not meet the statistical confidence thresholds required to predict the impact of this variant on RERE protein function. In summary, the available evidence is currently insufficient to determine the role of this variant in disease. Therefore, it has been classified as a Variant of Uncertain Significance.

Ambry Genetics
Classification: Likely benign for Inborn genetic diseases. Last evaluated: 2022-11-18. Review status: criteria provided, single submitter. Criteria: Ambry Variant Classification Scheme 2023. Collection method: clinical testing. Allele origin: germline.

Fulgent Genetics
Classification: Uncertain significance for Neurodevelopmental disorder with or without anomalies of the brain, eye, or heart. Last evaluated: 2022-03-16. Review status: criteria provided, single submitter. Criteria: ACMG Guidelines, 2015. Collection method: clinical testing. Allele origin: unknown.

Department of Pathology and Laboratory Medicine, Sinai Health System
Classification: Uncertain significance. Review status: no assertion criteria provided. Collection method: clinical testing. Allele origin: unknown. Affected: yes. Study: The Canadian Open Genetics Repository (COGR). Not counted in ClinVar's aggregate classification.
Comment: The RERE p.Pro1283Ser variant was not identified in the literature nor was it identified in ClinVar. The variant was identified in dbSNP (ID: rs778692247) and in control databases in 13 of 229958 chromosomes (1 homozygous) at a frequency of 0.00005653 (Genome Aggregation Database March 6, 2019, v2.1.1). The variant was observed in the following populations: Other in 1 of 5592 chromosomes (freq: 0.000179), Latino in 5 of 32798 chromosomes (freq: 0.000152), Ashkenazi Jewish in 1 of 7950 chromosomes (freq: 0.000126), African in 1 of 15978 chromosomes (freq: 0.000063) and European (non-Finnish) in 5 of 103248 chromosomes (freq: 0.000048), but was not observed in the East Asian, European (Finnish), or South Asian populations. This frequency is greater than expected for rare autosomal dominant Neurodevelopmental disorder with or without anomalies of the brain, eye, or heart. The p.Pro1283 residue is conserved in mammals and computational analyses (PolyPhen-2, SIFT, AlignGVGD, BLOSUM, MutationTaster) provide inconsistent predictions regarding the impact to the protein; this information is not very predictive of pathogenicity. The variant occurs outside of the splicing consensus sequence and in silico or computational prediction software programs (SpliceSiteFinder, MaxEntScan, NNSPLICE, GeneSplicer) do not predict a difference in splicing. In summary, based on the above information the clinical significance of this variant cannot be determined with certainty at this time. This variant is classified as a variant of uncertain significance.